The following is an entry in ClinVar:

ClinVar aggregate classification (germline): Uncertain significance (1 of 4 stars; one submission).

Conditions:
Rubinstein-Taybi syndrome due to EP300 haploinsufficiency. Also called: EP300-Related Rubinstein-Taybi Syndrome; RUBINSTEIN-TAYBI SYNDROME 2. Identifiers: Orphanet 353284, Orphanet 783, MedGen C3150941, MONDO:0013364, OMIM 613684.

Submission:

Labcorp Genetics (formerly Invitae), Labcorp
Classification: Uncertain significance for Rubinstein-Taybi syndrome due to EP300 haploinsufficiency. Last evaluated: 2023-11-27. Review status: criteria provided, single submitter. Criteria: Invitae Variant Classification Sherloc (09022015). Collection method: clinical testing. Allele origin: germline.
Comment: This sequence change replaces glutamine, which is neutral and polar, with lysine, which is basic and polar, at codon 2223 of the EP300 protein (p.Gln2223Lys). This variant is not present in population databases (gnomAD no frequency). This variant has not been reported in the literature in individuals affected with EP300-related conditions. Advanced modeling of protein sequence and biophysical properties (such as structural, functional, and spatial information, amino acid conservation, physicochemical variation, residue mobility, and thermodynamic stability) performed at Invitae indicates that this missense variant is not expected to disrupt EP300 protein function with a negative predictive value of 80%. In summary, the available evidence is currently insufficient to determine the role of this variant in disease. Therefore, it has been classified as a Variant of Uncertain Significance.

NM_001429.4(EP300):c.6667C>A (p.Gln2223Lys)

Gene: EP300 (EP300 lysine acetyltransferase; plus strand). Cytogenetic location: 22q13.2.
Variant type: single nucleotide variant.
Coding change: c.6667C>A on transcript NM_001429.4 (MANE Select); coding-DNA position 6667, C replaced by A.
Protein change: p.Gln2223Lys; replaces glutamine 2223 with lysine.
Molecular consequence: missense variant.
Genome position (GRCh38, 1-based): chr22:41,178,378, C>A. VCF-style: chr22-41178378-C-A. GRCh37 (hg19) VCF-style: chr22-41574382-C-A.
Other names: c.6589C>A, p.Gln2197Lys (NM_001362843.2); short protein forms Q2223K, Q2197K.
Identifiers: ClinVar variation 2984880 (VCV002984880.3), dbSNP rs2145521728, ClinGen allele CA411682476.